The following is an entry in ClinVar:

ClinVar aggregate classification (germline): Likely benign (1 of 4 stars; one submission).

Allele frequency attached by ClinVar (database versions not stated): gnomAD exomes 0.00001.
gnomAD v4.1: 7 of 1,536,248 alleles (0.00046%); highest among the groups gnomAD compares: Non-Finnish European, 0.00061%; no homozygotes.

Submission:

CeGaT Center for Human Genetics Tuebingen
Classification: Likely benign. Last evaluated: 2023-10-01. Review status: criteria provided, single submitter. Criteria: CeGaT Center For Human Genetics Tuebingen Variant Classification Criteria Version 2. Collection method: clinical testing. Allele origin: germline. Affected: yes. Observed: 1 variant allele.
Comment: BRSK2: BP4, BP7

NM_001256627.2(BRSK2):c.549C>T (p.Cys183=)

Gene: BRSK2 (BR serine/threonine kinase 2; plus strand). Cytogenetic location: 11p15.5.
Variant type: single nucleotide variant.
Coding change: c.549C>T on transcript NM_001256627.2 (MANE Select); coding-DNA position 549, C replaced by T.
Protein change: p.Cys183=; no amino-acid change (cysteine 183 retained).
Molecular consequence: synonymous variant. On other transcripts: non-coding transcript variant (1).
Genome position (GRCh38, 1-based): chr11:1,443,124, C>T. VCF-style: chr11-1443124-C-T. GRCh37 (hg19) VCF-style: chr11-1464354-C-T.
Other names: c.549C>T, p.Cys183= (NM_001256629.2, NM_003957.4); c.687C>T, p.Cys229= (NM_001256630.1); c.369C>T, p.Cys123= (NM_001282218.2).
Identifiers: ClinVar variation 2641321 (VCV002641321.24), dbSNP rs1287994010, ClinGen allele CA472412808.